The following is an entry in ClinVar:

ClinVar aggregate classification (germline): Benign/Likely benign. Review status: criteria provided, multiple submitters, no conflicts (2 of 4 stars). 12 submissions from 12 submitters: Benign (2); Likely benign (8). 2 of the submissions do not count toward it. Last evaluated 2026-09-01.

Conditions:
CALM2-related disorder. Also called: CALM2-related condition.
Cardiovascular phenotype. Identifiers: MedGen CN230736.
Long QT syndrome 1 (LQT1). Identifiers: Orphanet 101016, Orphanet 768, MedGen C4551647, MONDO:0100316, OMIM 192500, MONDO:0008646.

Allele frequency attached by ClinVar (database versions not stated): 1000 Genomes Project 30x 0.00047; gnomAD 0.00056 and 0.00058; 1000 Genomes Project 0.00060; TOPMed 0.00062; gnomAD exomes 0.00076 and 0.00079; ESP Exome Variant Server 0.00077; ExAC 0.00086.
gnomAD v4.1: 1,197 of 1,612,308 alleles (0.074%); highest among the groups gnomAD compares: Middle Eastern, 0.26%; 3 homozygotes.

Submissions (12):

CeGaT Center for Human Genetics Tuebingen
Classification: Likely benign. Last evaluated: 2026-09-01. Review status: criteria provided, single submitter. Criteria: CeGaT Center For Human Genetics Tuebingen Variant Classification Criteria Version 2. Collection method: clinical testing. Allele origin: germline. Affected: yes. Observed: 9 variant alleles.
Comment: CALM2: BP4, BP7

Labcorp Genetics (formerly Invitae), Labcorp
Classification: Benign for Long QT syndrome 1. Last evaluated: 2026-01-30. Review status: criteria provided, single submitter. Criteria: Invitae Variant Classification Sherloc (09022015). Collection method: clinical testing. Allele origin: germline.

Mayo Clinic Laboratories, Mayo Clinic
Classification: Likely benign. Last evaluated: 2025-09-11. Review status: criteria provided, single submitter. Criteria: ACMG Guidelines, 2015. Collection method: clinical testing. Allele origin: germline. Observed: 3 variant alleles.
Comment: BS1, BP4, BP7

Women's Health and Genetics/Laboratory Corporation of America, LabCorp
Classification: Benign. Last evaluated: 2025-04-22. Review status: criteria provided, single submitter. Criteria: LabCorp Variant Classification Summary - May 2015. Collection method: clinical testing. Allele origin: germline.

Molecular Diagnostic Laboratory for Inherited Cardiovascular Disease, Montreal Heart Institute
Classification: Likely benign. Last evaluated: 2025-04-09. Review status: criteria provided, single submitter. Criteria: ACMG Guidelines, 2015. Collection method: clinical testing. Allele origin: germline. Affected: no.

PreventionGenetics, part of Exact Sciences
Classification: Likely benign for CALM2-related condition. Last evaluated: 2025-01-23. Review status: criteria provided, single submitter. Criteria: ACMG Guidelines, 2015. Collection method: clinical testing. Allele origin: germline.
Comment: This variant is classified as likely benign based on ACMG/AMP sequence variant interpretation guidelines (Richards et al. 2015 PMID: 25741868, with internal and published modifications).

Blueprint Genetics
Classification: Likely benign. Last evaluated: 2024-10-25. Review status: criteria provided, single submitter. Criteria: ACMG Guidelines, 2015. Collection method: clinical testing. Allele origin: germline.

GeneDx
Classification: Likely benign. Last evaluated: 2021-09-27. Review status: criteria provided, single submitter. Criteria: GeneDx Variant Classification Process June 2021. Collection method: clinical testing. Allele origin: germline. Affected: yes.

Ambry Genetics
Classification: Likely benign for Cardiovascular phenotype. Last evaluated: 2019-03-10. Review status: criteria provided, single submitter. Criteria: Ambry Variant Classification Scheme 2023. Collection method: clinical testing. Allele origin: germline.

Breakthrough Genomics
Classification: Likely benign. Review status: criteria provided, single submitter. Criteria: ACMG Guidelines, 2015. Collection method: not provided. Allele origin: germline. Inheritance: Autosomal dominant inheritance. Affected: yes.

Clinical Genetics, Academic Medical Center
Classification: Benign. Review status: no assertion criteria provided. Collection method: clinical testing. Allele origin: germline. Affected: yes. Study: VKGL Data-share Consensus. Not counted in ClinVar's aggregate classification.

Genome Diagnostics Laboratory, University Medical Center Utrecht
Classification: Likely benign. Review status: no assertion criteria provided. Collection method: clinical testing. Allele origin: germline. Affected: yes. Study: VKGL Data-share Consensus. Not counted in ClinVar's aggregate classification.

NM_001743.6(CALM2):c.243C>T (p.Asp81=)

Gene: CALM2 (calmodulin 2; minus strand). Cytogenetic location: 2p21.
Variant type: single nucleotide variant.
Coding change: c.243C>T on transcript NM_001743.6 (MANE Select); coding-DNA position 243, C replaced by T.
Protein change: p.Asp81=; no amino-acid change (aspartic acid 81 retained).
Molecular consequence: synonymous variant.
Genome position (GRCh38, 1-based): chr2:47,162,328, G>A on the plus strand (C>T on the coding strand, the complement: CALM2 is on the minus strand). VCF-style: chr2-47162328-G-A. GRCh37 (hg19) VCF-style: chr2-47389467-G-A.
Other names: p.Asp81=; c.243C>T (NM_001743.5); c.387C>T, p.Asp129= (NM_001305624.1); c.135C>T, p.Asp45= (NM_001305625.2, NM_001305626.1).
Identifiers: ClinVar variation 239033 (VCV000239033.47), dbSNP rs141298844, ClinGen allele CA1648571.